The following is an entry in ClinVar:

ClinVar aggregate classification (germline): Pathogenic/Likely pathogenic. Review status: criteria provided, multiple submitters, no conflicts (2 of 4 stars). 6 submissions from 6 submitters: Pathogenic (5); Likely pathogenic (1). Last evaluated 2025-12-14.

Conditions:
PEX1-related disorder. Also called: PEX1-related condition.
Zellweger spectrum disorders (ZS). Also called: Zellweger Spectrum Disorder; Zellweger Spectrum; Zellweger syndrome; Zellweger Spectrum Disorder (ZSD). Identifiers: Orphanet 912, MedGen C0043459, MONDO:0019609.
Heimler syndrome 1 (HMLR1). Also called: PEROXISOME BIOGENESIS DISORDER 1C. Identifiers: Orphanet 3220, MedGen C4551980, OMIM 234580, MONDO:0024544.
Peroxisome biogenesis disorder. Identifiers: Orphanet 79189, MedGen C1832200, MONDO:0019234. Disease mechanism: loss of function.

Allele frequency attached by ClinVar (database versions not stated): gnomAD exomes 0.00001.

Submissions (6):

Labcorp Genetics (formerly Invitae), Labcorp
Classification: Pathogenic for Zellweger spectrum disorders. Last evaluated: 2025-12-14. Review status: criteria provided, single submitter. Criteria: Invitae Variant Classification Sherloc (09022015). Collection method: clinical testing. Allele origin: germline.
Comment: This sequence change creates a premature translational stop signal (p.Gly1061Trpfs*16) in the PEX1 gene. It is expected to result in an absent or disrupted protein product. Loss-of-function variants in PEX1 are known to be pathogenic (PMID: 21031596, 26387595, 31831025). This variant is not present in population databases (gnomAD no frequency). This premature translational stop signal has been observed in individual(s) with Zellweger syndrome spectrum (PMID: 10447258). ClinVar contains an entry for this variant (Variation ID: 928943). For these reasons, this variant has been classified as Pathogenic.

PreventionGenetics, part of Exact Sciences
Classification: Pathogenic for PEX1-related condition. Last evaluated: 2025-06-26. Review status: criteria provided, single submitter. Criteria: ACMG Guidelines, 2015. Collection method: clinical testing. Allele origin: germline.
Comment: The PEX1 c.3180dupT variant is predicted to result in a frameshift and premature protein termination (p.Gly1061Trpfs*16). This variant was reported in individuals with Zellweger syndrome (Figure 1d in Collins and Gould. 1999. PubMed ID: 10447258; reported as c.3180_3181insT in Rosewich et al. 2005. PubMed ID: 16141001). This variant has not been reported in a large population database (gnomAD), indicating this variant is rare. Frameshift variants in PEX1 are expected to be pathogenic. This variant is interpreted as pathogenic.

Natera, Inc.
Classification: Likely pathogenic for Zellweger syndrome. Last evaluated: 2024-09-07. Review status: criteria provided, single submitter. Criteria: Natera Variant Classification Schema (03/2026). Collection method: clinical testing. Allele origin: germline.
Comment: The c.3180dupT variant in PEX1 is a frameshift variant predicted to shift the reading frame beginning at codon 1061 and leads to a stop codon 16 codons downstream. This variant is expected to result in nonsense mediated decay, truncation, or a dysfunctional protein product. This variant is rare in the general population with a frequency below the threshold expected for the associated phenotype(s). Given the available evidence, this variant is classified as Likely Pathogenic.

Department of Pathology and Laboratory Medicine, Sinai Health System
Classification: Pathogenic for peroxisome biogenesis disorder. Last evaluated: 2023-07-15. Review status: criteria provided, single submitter. Criteria: ACMG Guidelines, 2015. Collection method: research. Allele origin: germline.

Baylor Genetics
Classification: Pathogenic for Heimler syndrome 1. Last evaluated: 2023-06-06. Review status: criteria provided, single submitter. Criteria: ACMG Guidelines, 2015. Collection method: clinical testing. Allele origin: unknown.

Women's Health and Genetics/Laboratory Corporation of America, LabCorp
Classification: Pathogenic for Peroxisome biogenesis disorder. Last evaluated: 2021-03-14. Review status: criteria provided, single submitter. Criteria: LabCorp Variant Classification Summary - May 2015. Collection method: clinical testing. Allele origin: germline.
Comment: Variant summary: PEX1 c.3180dupT (p.Gly1061TrpfsX16) results in a premature termination codon, predicted to cause a truncation of the encoded protein or absence of the protein due to nonsense mediated decay, which are commonly known mechanisms for disease. Truncations downstream of this position have been been reported in patients with Zellweger syndrome (HGMD database). The variant was absent in 251100 control chromosomes. c.3180dupT has been reported in the literature in individuals affected with Zellweger Syndrome and subsequently cited by others (example, Collins_1999, Rosewich_2005). No clinical diagnostic laboratories have submitted clinical-significance assessments for this variant to ClinVar after 2014. Based on the evidence outlined above, the variant was classified as pathogenic.

Literature cited by the submitters: PubMed 21031596 (cited by Labcorp Genetics (formerly Invitae), Labcorp); PubMed 26387595 (cited by Labcorp Genetics (formerly Invitae), Labcorp); PubMed 31831025 (cited by Labcorp Genetics (formerly Invitae), Labcorp); PubMed 10447258 (cited by Labcorp Genetics (formerly Invitae), Labcorp and Women's Health and Genetics/Laboratory Corporation of America, LabCorp); PubMed 16141001 (cited by Women's Health and Genetics/Laboratory Corporation of America, LabCorp).

NM_000466.3(PEX1):c.3180dup (p.Gly1061fs)

Genes: GATAD1 (GATA zinc finger domain containing 1; plus strand), PEX1 (peroxisomal biogenesis factor 1; minus strand). Cytogenetic location: 7q21.2.
Variant type: Duplication.
Coding change: c.3180dup on transcript NM_000466.3 (MANE Select); coding-DNA position 3180, one base duplicated (T; older notation c.3180dupT).
Protein change: p.Gly1061fs; shifts the reading frame from glycine 1061.
Molecular consequence: frameshift variant.
Genome position (GRCh38, 1-based): chr7:92,492,980, A duplicated on the plus strand (T on the coding strand, the reverse complement: PEX1 is on the minus strand). VCF-style (leftmost placement, unchanged base first): chr7-92492979-C-CA. GRCh37 (hg19) VCF-style: chr7-92122293-C-CA.
Other names: c.3180dupT (NM_000466.2); c.3009dup, p.Gly1004fs (NM_001282677.2); c.2556dup, p.Gly853fs (NM_001282678.2); short protein forms G1061fs, G1004fs, G853fs.
Identifiers: ClinVar variation 928943 (VCV000928943.15), dbSNP rs61750430, ClinGen allele CA161954331.